The following is an entry in ClinVar:

ClinVar aggregate classification (germline): Likely benign. Review status: criteria provided, multiple submitters, no conflicts (2 of 4 stars). 2 submissions from 2 submitters: Likely benign (2). Last evaluated 2024-05-21.

Conditions:
Hereditary spastic paraplegia 31. Also called: SPASTIC PARAPLEGIA 31, AUTOSOMAL DOMINANT. Identifiers: Orphanet 101011, MedGen C1853247, MONDO:0012453, OMIM 610250.

Allele frequency attached by ClinVar (database versions not stated): gnomAD exomes 0.00001 and below 0.00001; gnomAD 0.00003 and 0.00004; TOPMed 0.00004; ESP Exome Variant Server 0.00015.
gnomAD v4.1: 8 of 1,613,704 alleles (0.0005%); highest among the groups gnomAD compares: African/African-American, 0.008%; no homozygotes.

Submissions (2):

Labcorp Genetics (formerly Invitae), Labcorp
Classification: Likely benign for Hereditary spastic paraplegia 31. Last evaluated: 2024-05-21. Review status: criteria provided, single submitter. Criteria: Invitae Variant Classification Sherloc (09022015). Collection method: clinical testing. Allele origin: germline.

GeneDx
Classification: Likely benign. Last evaluated: 2016-11-14. Review status: criteria provided, single submitter. Criteria: GeneDx Variant Classification (06012015). Collection method: clinical testing. Allele origin: germline. Affected: yes.
Comment: This variant is considered likely benign or benign based on one or more of the following criteria: it is a conservative change, it occurs at a poorly conserved position in the protein, it is predicted to be benign by multiple in silico algorithms, and/or has population frequency not consistent with disease.

NM_001371279.1(REEP1):c.270G>A (p.Lys90=)

Gene: REEP1 (receptor accessory protein 1; minus strand). Cytogenetic location: 2p11.2.
Variant type: single nucleotide variant.
Coding change: c.270G>A on transcript NM_001371279.1 (MANE Select); coding-DNA position 270, G replaced by A.
Protein change: p.Lys90=; no amino-acid change (lysine 90 retained).
Molecular consequence: synonymous variant. On other transcripts: intron variant (1).
Genome position (GRCh38, 1-based): chr2:86,254,727, C>T on the plus strand (G>A on the coding strand, the complement: REEP1 is on the minus strand). VCF-style: chr2-86254727-C-T. GRCh37 (hg19) VCF-style: chr2-86481850-C-T.
Other names: c.291G>A, p.Lys97= (NM_001164730.2); c.189G>A, p.Lys63= (NM_001164731.2); c.270G>A, p.Lys90= (NM_001371280.1, NM_022912.3); c.182+9238G>A (NM_001164732.2).
Identifiers: ClinVar variation 390091 (VCV000390091.5), dbSNP rs141929755, ClinGen allele CA16604323.
Genomic context (GRCh38, chr2:86,254,727, plus strand): 5'-AATGAAAGACATGGCAGCATATATTACCTTTTCTTTTGAAGATAGCGTGGGATGTACAAA[C>T]TTCCTGTACAGGAGGCTGGAGCCTTTTGTGTAGGGAGACAGCAGCCAGGCTACAAATGCT-3'
Protein context (NP_001358208.1, residues 80-100): YTKGSSLLYR[Lys90=]FVHPTLSSKE